The following is an entry in ClinVar:

NM_014822.4(SEC24D):c.249-8T>C

Gene: SEC24D (SEC24 homolog D, COPII component; minus strand). Cytogenetic location: 4q26.
Variant type: single nucleotide variant.
Coding change: c.249-8T>C on transcript NM_014822.4 (MANE Select); 8 bases into the intron before coding-DNA position 249, T replaced by C.
Molecular consequence: intron variant.
Genome position (GRCh38, 1-based): chr4:118,817,420, A>G on the plus strand (T>C on the coding strand, the complement: SEC24D is on the minus strand). VCF-style: chr4-118817420-A-G. GRCh37 (hg19) VCF-style: chr4-119738575-A-G.
Other names: c.249-8T>C (NM_001318066.2, NM_014822.3).
Identifiers: ClinVar variation 2167215 (VCV002167215.6), dbSNP rs370665882, ClinGen allele CA3057586.

ClinVar aggregate classification (germline): Likely benign. Review status: criteria provided, single submitter (1 of 4 stars). 2 submissions from 2 submitters: Likely benign (1). 1 of the submissions does not count toward it. Last evaluated 2025-02-04.

Conditions:
SEC24D-related disorder. Also called: SEC24D-related condition.

Allele frequency attached by ClinVar (database versions not stated): gnomAD exomes 0.00005; ExAC 0.00017; ESP Exome Variant Server 0.00031; gnomAD 0.00046; TOPMed 0.00056; 1000 Genomes Project 30x 0.00078; 1000 Genomes Project 0.00080.

Submissions (2):

Labcorp Genetics (formerly Invitae), Labcorp
Classification: Likely benign. Last evaluated: 2025-02-04. Review status: criteria provided, single submitter. Criteria: Invitae Variant Classification Sherloc (09022015). Collection method: clinical testing. Allele origin: germline.

PreventionGenetics, part of Exact Sciences
Classification: Likely benign for SEC24D-related condition. Last evaluated: 2021-06-23. Review status: no assertion criteria provided. Collection method: clinical testing. Allele origin: germline. Not counted in ClinVar's aggregate classification.
Comment: This variant is classified as likely benign based on ACMG/AMP sequence variant interpretation guidelines (Richards et al. 2015 PMID: 25741868, with internal and published modifications).